The following is an entry in ClinVar:

ClinVar aggregate classification (germline): Benign/Likely benign. Review status: criteria provided, multiple submitters, no conflicts (2 of 4 stars). 19 submissions from 19 submitters: Benign (6); Likely benign (8). 5 of the submissions do not count toward it. Last evaluated 2026-01-27.

Conditions:
SPINK1-related disorder. Also called: SPINK1-related condition.
Tropical pancreatitis. Identifiers: Orphanet 103918, MedGen C1842402, MONDO:0011986, OMIM 608189.
Hereditary pancreatitis (PCTT). Also called: Hereditary chronic pancreatitis; PRSS1-Related Hereditary Pancreatitis. Identifiers: Orphanet 676, MedGen C0238339, MONDO:0008185, OMIM 167800.

Allele frequency attached by ClinVar (database versions not stated): 1000 Genomes Project 0.00300; ESP Exome Variant Server 0.00331; 1000 Genomes Project 30x 0.00344; TOPMed 0.00398; ExAC 0.00462; gnomAD exomes 0.00448 and 0.00620; gnomAD 0.00389.

Submissions (19):

Labcorp Genetics (formerly Invitae), Labcorp
Classification: Benign for Hereditary pancreatitis. Last evaluated: 2026-01-27. Review status: criteria provided, single submitter. Criteria: Invitae Variant Classification Sherloc (09022015). Collection method: clinical testing. Allele origin: germline.

ARUP Laboratories, Molecular Genetics and Genomics, ARUP Laboratories
Classification: Benign. Last evaluated: 2025-07-18. Review status: criteria provided, single submitter. Criteria: ARUP Molecular Germline Variant Investigation Process 2024. Collection method: clinical testing. Allele origin: germline.

Center for Genomic Medicine, Rigshospitalet, Copenhagen University Hospital
Classification: Likely benign. Last evaluated: 2025-03-04. Review status: criteria provided, single submitter. Criteria: ACMG Guidelines, 2015. Collection method: clinical testing. Allele origin: germline.

Blueprint Genetics
Classification: Likely benign. Last evaluated: 2024-11-26. Review status: criteria provided, single submitter. Criteria: ACMG Guidelines, 2015. Collection method: clinical testing. Allele origin: germline.

Mayo Clinic Laboratories, Mayo Clinic
Classification: Benign. Last evaluated: 2022-07-08. Review status: criteria provided, single submitter. Criteria: ACMG Guidelines, 2015. Collection method: clinical testing. Allele origin: germline. Observed: 36 variant alleles.
Comment: BP4, BP6

CeGaT Center for Human Genetics Tuebingen
Classification: Likely benign. Last evaluated: 2022-04-01. Review status: criteria provided, single submitter. Criteria: CeGaT Center For Human Genetics Tuebingen Variant Classification Criteria Version 2. Collection method: clinical testing. Allele origin: germline. Affected: yes. Observed: 1 variant allele.
Comment: SPINK1: BP4, BS1

GeneDx
Classification: Likely benign. Last evaluated: 2020-10-23. Review status: criteria provided, single submitter. Criteria: GeneDx Variant Classification Process June 2021. Collection method: clinical testing. Allele origin: germline. Affected: yes.
Comment: This variant is associated with the following publications: (PMID: 17568390, 22427236, 17525091, 27253233, 28994706, 15764155, 12360464, 10982753, 20977904, 26100556, 11265669, 12822871, 12634855, 23951356, 10835640, 10691414)

Sema4
Classification: Benign for Hereditary pancreatitis. Last evaluated: 2020-02-24. Review status: criteria provided, single submitter. Criteria: Sema4 Curation Guidelines. Collection method: curation. Allele origin: germline.

Mendelics
Classification: Likely benign for Hereditary pancreatitis. Last evaluated: 2019-05-28. Review status: criteria provided, single submitter. Criteria: Mendelics Assertion Criteria 2017. Collection method: clinical testing. Allele origin: unknown.

Institute of Human Genetics, University of Leipzig Medical Center
Classification: Likely benign for Tropical pancreatitis. Last evaluated: 2019-01-01. Review status: criteria provided, single submitter. Criteria: ACMG Guidelines, 2015. Collection method: clinical testing. Allele origin: unknown. Affected: yes.

Illumina Laboratory Services, Illumina
Classification: Benign for Hereditary pancreatitis. Last evaluated: 2017-04-27. Review status: criteria provided, single submitter. Criteria: ICSL Variant Classification Criteria 13 December 2019. Collection method: clinical testing. Allele origin: germline.
Comment: This variant was observed as part of a predisposition screen in an ostensibly healthy population. A literature search was performed for the gene, cDNA change, and amino acid change (where applicable). Publications were found based on this search. The evidence from the literature, in combination with allele frequency data from public databases where available, was sufficient to rule this variant out of causing disease. Therefore, this variant is classified as benign.

Center for Human Genetics, Inc
Classification: Likely benign for Hereditary pancreatitis. Last evaluated: 2016-11-01. Review status: criteria provided, single submitter. Criteria: ACMG Guidelines, 2015. Collection method: clinical testing. Allele origin: germline. Affected: yes.

Ambry Genetics
Classification: Benign for Hereditary pancreatitis. Last evaluated: 2016-02-15. Review status: criteria provided, single submitter. Criteria: Ambry Variant Classification Scheme 2023. Collection method: clinical testing. Allele origin: germline.

Breakthrough Genomics
Classification: Likely benign. Review status: criteria provided, single submitter. Criteria: ACMG Guidelines, 2015. Collection method: not provided. Allele origin: germline. Inheritance: Autosomal recessive inheritance. Affected: yes.

PreventionGenetics, part of Exact Sciences
Classification: Benign for SPINK1-related condition. Last evaluated: 2020-11-19. Review status: no assertion criteria provided. Collection method: clinical testing. Allele origin: germline. Not counted in ClinVar's aggregate classification.
Comment: This variant is classified as benign based on ACMG/AMP sequence variant interpretation guidelines (Richards et al. 2015 PMID: 25741868, with internal and published modifications).

Women's Health and Genetics/Laboratory Corporation of America, LabCorp
Classification: Benign for Hereditary pancreatitis. Last evaluated: 2011-08-11. Review status: no assertion criteria provided. Collection method: clinical testing. Allele origin: germline. Not counted in ClinVar's aggregate classification.

Clinical Genetics DNA and cytogenetics Diagnostics Lab, Erasmus MC, Erasmus Medical Center
Classification: Likely benign. Review status: no assertion criteria provided. Collection method: clinical testing. Allele origin: germline. Affected: yes. Study: VKGL Data-share Consensus. Not counted in ClinVar's aggregate classification.

GeneReviews
No classification provided. Condition: Hereditary pancreatitis. Review status: no classification provided. Collection method: literature only. Allele origin: germline. Affected: yes. Not counted in ClinVar's aggregate classification.

Joint Genome Diagnostic Labs from Nijmegen and Maastricht, Radboudumc and MUMC+
Classification: Likely benign. Review status: no assertion criteria provided. Collection method: clinical testing. Allele origin: germline. Affected: yes. Study: VKGL Data-share Consensus. Not counted in ClinVar's aggregate classification.

Literature cited by the submitters: PubMed 11265669 (cited by Illumina Laboratory Services, Illumina); NCBI Bookshelf NBK190101 (cited by GeneReviews).

NM_001379610.1(SPINK1):c.163C>T (p.Pro55Ser)

Gene: SPINK1 (serine peptidase inhibitor Kazal type 1; minus strand). Cytogenetic location: 5q32.
Variant type: single nucleotide variant.
Coding change: c.163C>T on transcript NM_001379610.1 (MANE Select); coding-DNA position 163, C replaced by T.
Protein change: p.Pro55Ser; replaces proline 55 with serine.
Molecular consequence: missense variant.
Genome position (GRCh38, 1-based): chr5:147,828,053, G>A on the plus strand (C>T on the coding strand, the complement: SPINK1 is on the minus strand). VCF-style: chr5-147828053-G-A. GRCh37 (hg19) VCF-style: chr5-147207616-G-A.
Other names: c.163C>T, p.Pro55Ser (NM_001354966.2, NM_003122.5); short protein forms P55S.
Identifiers: ClinVar variation 36778 (VCV000036778.63), dbSNP rs111966833, ClinGen allele CA342887.